The following is an entry in ClinVar:

NC_000016.10:g.(89752223_89758576)_(89816657_?)del

Gene: FANCA (FA complementation group A; minus strand). Cytogenetic location: 16q24.3.
Variant type: Deletion.
Identifiers: ClinVar variation 974178 (VCV000974178.1).

ClinVar aggregate classification (germline): Pathogenic (0 of 4 stars; one submission).

Conditions:
Fanconi anemia complementation group A (FANCA). Also called: Fanconi anemia, group A; FANCA-Related Fanconi Anemia. Identifiers: Orphanet 84, MedGen C3469521, MONDO:0009215, OMIM 227650.

Submission:

Leiden Open Variation Database
Classification: Pathogenic for Fanconi anemia complementation group A. Last evaluated: 2020-02-28. Review status: no assertion criteria provided. Collection method: curation. Allele origin: germline. Affected: yes.
Comment: Curator: Arleen D. Auerbach. Submitters to LOVD: Arleen D. Auerbach, Johan de Winter.

Literature cited by the submitters: PubMed 10094191; PubMed 17924555.